The following is an entry in ClinVar:

NM_005811.5(GDF11):c.195C>A (p.Cys65Ter)

Gene: GDF11 (growth differentiation factor 11; plus strand). Cytogenetic location: 12q13.2.
Variant type: single nucleotide variant.
Coding change: c.195C>A on transcript NM_005811.5 (MANE Select); coding-DNA position 195, C replaced by A.
Protein change: p.Cys65Ter; replaces cysteine 65 with a stop codon.
Molecular consequence: nonsense.
Genome position (GRCh38, 1-based): chr12:55,743,511, C>A. VCF-style: chr12-55743511-C-A. GRCh37 (hg19) VCF-style: chr12-56137295-C-A.
Other names: short protein forms C65*.
Identifiers: ClinVar variation 4819147 (VCV004819147.1).

ClinVar aggregate classification (germline): Uncertain significance (1 of 4 stars; one submission).

Conditions:
Vertebral hypersegmentation and orofacial anomalies. Identifiers: MedGen C5436851, MONDO:0030871, OMIM 619122.

Submission:

Institute of Human Genetics, University of Leipzig Medical Center
Classification: Uncertain significance for Vertebral hypersegmentation and orofacial anomalies. Last evaluated: 2026-02-16. Review status: criteria provided, single submitter. Criteria: ACMG Guidelines, 2015. Collection method: clinical testing. Allele origin: unknown. Inheritance: Autosomal dominant inheritance. Affected: yes.
Comment: Criteria applied: PM2